The following is an entry in ClinVar:

ClinVar aggregate classification (germline): Uncertain significance. Review status: criteria provided, single submitter (1 of 4 stars). 2 submissions from 2 submitters: Uncertain significance (1). 1 of the submissions does not count toward it. Last evaluated 2022-03-24.

Conditions:
Inborn genetic diseases. Identifiers: MedGen C0950123, MeSH D030342.
Charcot-Marie-Tooth disease type 4. Also called: Charcot-Marie-Tooth disease, type IV; Charcot-Marie-Tooth, Type 4. Identifiers: Orphanet 64749, MedGen C4082197, MONDO:0018995.

Submissions (2):

Ambry Genetics
Classification: Uncertain significance for Inborn genetic diseases. Last evaluated: 2022-03-24. Review status: criteria provided, single submitter. Criteria: Ambry Variant Classification Scheme 2023. Collection method: clinical testing. Allele origin: germline.
Comment: The c.2047-3C>T intronic variant results from a C to T substitution 3 nucleotides upstream from coding exon 24 in the LRSAM1 gene. This nucleotide position is well conserved in available vertebrate species. In silico splice site analysis predicts that this alteration will not have any significant effect on splicing. Since supporting evidence is limited at this time, the clinical significance of this alteration remains unclear.

Genesis Genome Database
Classification: Uncertain significance for Charcot-Marie-Tooth disease type 4. Last evaluated: 2019-08-14. Review status: no assertion criteria provided. Collection method: research. Allele origin: germline. Affected: yes. Not counted in ClinVar's aggregate classification.

NM_001005373.4(LRSAM1):c.2047-3C>T

Gene: LRSAM1 (leucine rich repeat and sterile alpha motif containing 1; plus strand). Cytogenetic location: 9q34.11.
Variant type: single nucleotide variant.
Coding change: c.2047-3C>T on transcript NM_001005373.4 (MANE Select); 3 bases into the intron before coding-DNA position 2047, C replaced by T.
Molecular consequence: intron variant.
Genome position (GRCh38, 1-based): chr9:127,502,771, C>T. VCF-style: chr9-127502771-C-T. GRCh37 (hg19) VCF-style: chr9-130265050-C-T.
Other names: c.2047-3C>T (NM_138361.5, NM_001384142.1, NM_001005374.4); c.1948-3C>T (NM_001384143.1); c.1966-3C>T (NM_001190723.3); c.1258-3C>T (NM_001384144.1).
Identifiers: ClinVar variation 695014 (VCV000695014.3), dbSNP rs1588144581, ClinGen allele CA915947155.
Genomic context (GRCh38, chr9:127,502,771, plus strand): 5'-GACGGGCCTGGGACTCCTGGAACCCGGTAGGGCCAGCCACATGCTCCCGCTCTCCCTCCC[C>T]AGGCCCAGATGATCTTCCTCAACTGTGGCCACGTCTGCTGCTGCCAGCAGTGCTGCCAGC-3'